The following is an entry in ClinVar:

NM_001999.4(FBN2):c.5600G>A (p.Cys1867Tyr)

Gene: FBN2 (fibrillin 2; minus strand). Cytogenetic location: 5q23.3.
Variant type: single nucleotide variant.
Coding change: c.5600G>A on transcript NM_001999.4 (MANE Select); coding-DNA position 5600, G replaced by A.
Protein change: p.Cys1867Tyr; replaces cysteine 1867 with tyrosine.
Molecular consequence: missense variant.
Genome position (GRCh38, 1-based): chr5:128,305,585, C>T on the plus strand (G>A on the coding strand, the complement: FBN2 is on the minus strand). VCF-style: chr5-128305585-C-T. GRCh37 (hg19) VCF-style: chr5-127641277-C-T.
Other names: short protein forms C1867Y.
Identifiers: ClinVar variation 1315484 (VCV001315484.2), dbSNP rs2126838836, ClinGen allele CA360740475.

ClinVar aggregate classification (germline): Uncertain significance (1 of 4 stars; one submission).

Submission:

GeneDx
Classification: Uncertain significance. Last evaluated: 2020-02-10. Review status: criteria provided, single submitter. Criteria: GeneDx Variant Classification Process June 2021. Collection method: clinical testing. Allele origin: germline. Affected: yes.
Comment: Has not been previously published as pathogenic or benign to our knowledge; Not observed in large population cohorts (Lek et al., 2016); In silico analysis supports that this missense variant has a deleterious effect on protein structure/function